The following is an entry in ClinVar:

NM_016604.4(KDM3B):c.2470T>C (p.Ser824Pro)

Gene: KDM3B (lysine demethylase 3B; plus strand). Cytogenetic location: 5q31.2.
Variant type: single nucleotide variant.
Coding change: c.2470T>C on transcript NM_016604.4 (MANE Select); coding-DNA position 2470, T replaced by C.
Protein change: p.Ser824Pro; replaces serine 824 with proline.
Molecular consequence: missense variant.
Genome position (GRCh38, 1-based): chr5:138,392,102, T>C. VCF-style: chr5-138392102-T-C. GRCh37 (hg19) VCF-style: chr5-137727791-T-C.
Other names: short protein forms S824P.
Identifiers: ClinVar variation 5041741 (VCV005041741.1).

ClinVar aggregate classification (germline): Uncertain significance (1 of 4 stars; one submission).

gnomAD v4.1: 1 of 1,609,886 alleles (0.000062%); highest among the groups gnomAD compares: Admixed American, 0.0017%; no homozygotes.

Submission:

CeGaT Center for Human Genetics Tuebingen
Classification: Uncertain significance. Last evaluated: 2026-09-01. Review status: criteria provided, single submitter. Criteria: CeGaT Center For Human Genetics Tuebingen Variant Classification Criteria Version 2. Collection method: clinical testing. Allele origin: germline. Affected: yes. Observed: 1 variant allele.
Comment: KDM3B: PM2